The following is an entry in ClinVar:

NM_031307.4(PUS3):c.1A>G (p.Met1Val)

Genes: HYLS1 (HYLS1 centriolar and ciliogenesis associated; plus strand), PUS3 (pseudouridine synthase 3; minus strand). Cytogenetic location: 11q24.2.
Variant type: single nucleotide variant.
Coding change: c.1A>G on transcript NM_031307.4 (MANE Select); coding-DNA position 1, A replaced by G.
Protein change: p.Met1Val; changes the start codon (methionine 1).
Molecular consequence: missense variant, initiator codon variant. On other transcripts: intron variant (6).
Genome position (GRCh38, 1-based): chr11:125,896,284, T>C on the plus strand (A>G on the coding strand, the complement: PUS3 is on the minus strand). VCF-style: chr11-125896284-T-C. GRCh37 (hg19) VCF-style: chr11-125766179-T-C.
Other names: c.-80-2820T>C (NM_145014.3); c.-25-3060T>C (NM_001134793.2, NM_001377269.1); c.-22-3063T>C (NM_001424364.1, NM_001377270.1); c.-246-495A>G (NM_001271985.2); short protein forms M1V.
Identifiers: ClinVar variation 692029 (VCV000692029.4), dbSNP rs543614309, ClinGen allele CA6350618.

ClinVar aggregate classification (germline): Conflicting classifications of pathogenicity. Review status: criteria provided, conflicting classifications (1 of 4 stars). 3 submissions from 3 submitters: Pathogenic (1); Likely pathogenic (1); Uncertain significance (1). Last evaluated 2024-07-08.

Conditions:
Severe growth deficiency-strabismus-extensive dermal melanocytosis-intellectual disability syndrome (NEDMIGS). Also called: NEURODEVELOPMENTAL DISORDER WITH MICROCEPHALY AND GRAY SCLERAE. Identifiers: Orphanet 488627, MedGen C4310745, MONDO:0014886, OMIM 617051.

Allele frequency attached by ClinVar (database versions not stated): TOPMed 0.00002; gnomAD 0.00004 and 0.00003; ExAC 0.00002; 1000 Genomes Project 30x 0.00016; gnomAD exomes 0.00001; 1000 Genomes Project 0.00020.
gnomAD v4.1: 22 of 1,602,580 alleles (0.0014%); highest among the groups gnomAD compares: Admixed American, 0.0017%; no homozygotes.

Submissions (3):

Laboratorio de Genetica e Diagnostico Molecular, Hospital Israelita Albert Einstein
Classification: Uncertain significance for Severe growth deficiency-strabismus-extensive dermal melanocytosis-intellectual disability syndrome. Last evaluated: 2024-07-08. Review status: criteria provided, single submitter. Criteria: ACMG Guidelines, 2015. Collection method: clinical testing. Allele origin: germline. Affected: yes.
Comment: ACMG classification criteria: PVS1 moderate, PM2 supporting

GeneDx
Classification: Pathogenic. Last evaluated: 2022-09-22. Review status: criteria provided, single submitter. Criteria: GeneDx Variant Classification Process June 2021. Collection method: clinical testing. Allele origin: germline. Affected: yes.
Comment: Initiation codon variant in a gene for which loss-of-function is a known mechanism of disease; Not observed at significant frequency in large population cohorts (gnomAD); This variant is associated with the following publications: (PMID: 31019026, 31246743)

Rady Children's Institute for Genomic Medicine, Rady Children's Hospital San Diego
Classification: Likely pathogenic for MENTAL RETARDATION, AUTOSOMAL RECESSIVE 55. Last evaluated: 2018-05-07. Review status: criteria provided, single submitter. Criteria: ACMG Guidelines, 2015. Collection method: clinical testing. Allele origin: germline. Affected: yes. Observed: 1 variant allele.
Comment: Although it is unclear what the consequence of this change are, the nearest subsequent methionine for a possible alternative start site is located at position 72. Therefore, it is predicted this variant results in a loss of function of the protein. This variant has not been previously reported or functionally characterized in the literature to our knowledge. Functional studies of a truncating variant (p.Arg435Ter) demonstrated that a loss of function variant results in decreased levels of pseudouridine in tRNA (PMID: 27055666). This variant is present as a heterozygous change in the population database gnomAD at a frequency of 0.00001226 (3/244600) alleles and thus is presumed to be rare. In silico analyses support a deleterious effect of the c.1A>G variant on protein function. Based on the combined evidence, this variant is classified as likely pathogenic.